The following is an entry in ClinVar:

NM_001170629.2(CHD8):c.7496_7504del (p.Pro2499_Pro2501del)

Gene: CHD8 (chromodomain helicase DNA binding protein 8; minus strand). Cytogenetic location: 14q11.2.
Variant type: Deletion.
Coding change: c.7496_7504del on transcript NM_001170629.2 (MANE Select); coding-DNA positions 7496 to 7504, 9 bases deleted (CCCACCCCC; older notation c.7496_7504delCCCACCCCC).
Protein change: p.Pro2499_Pro2501del.
Molecular consequence: inframe deletion.
Genome position (GRCh38, 1-based): chr14:21,385,855-21,385,863, GGGGGTGGG deleted on the plus strand (CCCACCCCC on the coding strand, the reverse complement: CHD8 is on the minus strand); deleting any 9 consecutive bases within chr14:21,385,855-21,385,865 gives the same sequence; the c. name uses the placement nearest the transcript's 3' end. VCF-style (leftmost placement, unchanged base first): chr14-21385854-TGGGGGTGGG-T. GRCh37 (hg19) VCF-style: chr14-21854013-TGGGGGTGGG-T.
Other names: c.6659_6667del, p.Pro2220_Pro2222del (NM_020920.4); c.7496_7504del (NM_001170629.1).
Identifiers: ClinVar variation 1510534 (VCV001510534.9), dbSNP rs771302334, ClinGen allele CA7090534.

ClinVar aggregate classification (germline): Conflicting classifications of pathogenicity. Review status: criteria provided, conflicting classifications (1 of 4 stars). 3 submissions from 3 submitters: Uncertain significance (2); Likely benign (1). Last evaluated 2026-09-06.

Submissions (3):

GeneDx
Classification: Uncertain significance. Last evaluated: 2026-09-06. Review status: criteria provided, single submitter. Criteria: GeneDx Variant Classification Process June 2021. Collection method: clinical testing. Allele origin: germline.
Comment: In-frame deletion of 3 amino acid(s) in a non-repeat region; In silico analysis suggests that this variant does not alter protein structure/function; Has not been previously published as pathogenic or benign to our knowledge

Labcorp Genetics (formerly Invitae), Labcorp
Classification: Uncertain significance. Last evaluated: 2025-11-28. Review status: criteria provided, single submitter. Criteria: Invitae Variant Classification Sherloc (09022015). Collection method: clinical testing. Allele origin: germline.
Comment: This variant, c.7496_7504del, results in the deletion of 3 amino acid(s) of the CHD8 protein (p.Pro2499_Pro2501del), but otherwise preserves the integrity of the reading frame. The frequency data for this variant in the population databases is considered unreliable, as metrics indicate poor data quality at this position in the gnomAD database. This variant has not been reported in the literature in individuals affected with CHD8-related conditions. ClinVar contains an entry for this variant (Variation ID: 1510534). Experimental studies and prediction algorithms are not available or were not evaluated, and the functional significance of this variant is currently unknown. In summary, the available evidence is currently insufficient to determine the role of this variant in disease. Therefore, it has been classified as a Variant of Uncertain Significance.

Blueprint Genetics
Classification: Likely benign. Last evaluated: 2024-06-27. Review status: criteria provided, single submitter. Criteria: ACMG Guidelines, 2015. Collection method: clinical testing. Allele origin: germline.